The following is an entry in ClinVar:

NM_001009944.3(PKD1):c.7605C>G (p.Tyr2535Ter)

Gene: PKD1 (polycystin 1, transient receptor potential channel interacting; minus strand). Cytogenetic location: 16p13.3.
Variant type: single nucleotide variant.
Coding change: c.7605C>G on transcript NM_001009944.3 (MANE Select); coding-DNA position 7605, C replaced by G.
Protein change: p.Tyr2535Ter; replaces tyrosine 2535 with a stop codon.
Molecular consequence: nonsense.
Genome position (GRCh38, 1-based): chr16:2,106,189, G>C on the plus strand (C>G on the coding strand, the complement: PKD1 is on the minus strand). VCF-style: chr16-2106189-G-C. GRCh37 (hg19) VCF-style: chr16-2156190-G-C.
Other names: c.7605C>G, p.Tyr2535Ter (NM_000296.4); short protein forms Y2535*.
Identifiers: ClinVar variation 4531558 (VCV004531558.2).

ClinVar aggregate classification (germline): Pathogenic (1 of 4 stars; one submission).

Conditions:
Polycystic kidney disease, adult type (PKD1). Also called: Polycystic kidney disease 1, severe; Polycystic Kidney Disease 1, Autosomal Dominant; Polycystic kidney disease 1; Polycystic Kidney, Autosomal Dominant; POLYCYSTIC KIDNEY DISEASE 1 WITH OR WITHOUT POLYCYSTIC LIVER DISEASE; POLYCYSTIC KIDNEY DISEASE, ADULT, TYPE I. Identifiers: MedGen C3149841, MONDO:0008263, OMIM 173900.

Submission:

Victorian Clinical Genetics Services, Murdoch Childrens Research Institute
Classification: Pathogenic for Polycystic kidney disease, adult type. Last evaluated: 2026-04-09. Review status: criteria provided, single submitter. Criteria: ACMG Guidelines, 2015. Collection method: clinical testing. Allele origin: germline. Affected: yes.
Comment: This variant is classified as Pathogenic. Evidence in support of pathogenic classification: Variant is predicted to cause nonsense-mediated decay (NMD) and loss of protein (premature termination codon is located at least 54 nucleotides upstream of the final exon-exon junction); Variant is absent from gnomAD (v2, v3 and v4); Other NMD-predicted variant(s) comparable to the one identified in this case have very strong previous evidence for pathogenicity (DECIPHER). Additional information: This variant is heterozygous; This gene is associated with autosomal dominant disease. Polycystic kidney disease 1 (MIM#173900) is predominantly caused by monoallelic variants, with rare reports of biallelic variants causing disease (OMIM); Loss of function is a known mechanism of disease in this gene and is associated with polycystic kidney disease 1 (MIM#173900); Inheritance information for this variant is not currently available in this individual.